The following is an entry in ClinVar:

NM_032802.4(SPPL2A):c.1062del (p.Phe354fs)

Gene: SPPL2A (signal peptide peptidase like 2A; minus strand). Cytogenetic location: 15q21.2.
Variant type: Deletion.
Coding change: c.1062del on transcript NM_032802.4 (MANE Select); coding-DNA position 1062, one base deleted (T; older notation c.1062delT).
Protein change: p.Phe354fs; shifts the reading frame from phenylalanine 354.
Molecular consequence: frameshift variant.
Genome position (GRCh38, 1-based): chr15:50,730,992, A deleted on the plus strand (T on the coding strand, the reverse complement: SPPL2A is on the minus strand); the first of 6 consecutive A bases (chr15:50,730,992-50,730,997); deleting any one gives the same sequence. VCF-style (leftmost placement, unchanged base first): chr15-50730991-CA-C. GRCh37 (hg19) VCF-style: chr15-51023188-CA-C.
Other names: short protein forms F354fs.
Identifiers: ClinVar variation 1409093 (VCV001409093.6), dbSNP rs1275263889, ClinGen allele CA617891747.

ClinVar aggregate classification (germline): Uncertain significance (1 of 4 stars; one submission).

Submission:

Labcorp Genetics (formerly Invitae), Labcorp
Classification: Uncertain significance. Last evaluated: 2024-10-27. Review status: criteria provided, single submitter. Criteria: Invitae Variant Classification Sherloc (09022015). Collection method: clinical testing. Allele origin: germline.
Comment: This sequence change creates a premature translational stop signal (p.Phe354Leufs*4) in the SPPL2A gene. It is expected to result in an absent or disrupted protein product. However, the current clinical and genetic evidence is not sufficient to establish whether loss-of-function variants in SPPL2A cause disease. The frequency data for this variant in the population databases is considered unreliable, as metrics indicate poor data quality at this position in the gnomAD database. This variant has not been reported in the literature in individuals affected with SPPL2A-related conditions. ClinVar contains an entry for this variant (Variation ID: 1409093). Experimental studies and prediction algorithms are not available or were not evaluated, and the functional significance of this variant is currently unknown. Algorithms developed to predict the effect of sequence changes on RNA splicing suggest that this variant may disrupt the consensus splice site. In summary, the available evidence is currently insufficient to determine the role of this variant in disease. Therefore, it has been classified as a Variant of Uncertain Significance.